The following is an entry in ClinVar:

ClinVar aggregate classification (germline): Uncertain significance (1 of 4 stars; one submission).

Conditions:
Idiopathic generalized epilepsy. Also called: Generalised epilepsy; EIG. Identifiers: MedGen C0270850, MONDO:0005579, OMIM 600669.
Hyperaldosteronism, familial, type IV (HALD4). Also called: FH IV; ALDOSTERONISM, PRIMARY, AND HYPERTENSION. Identifiers: Orphanet 642671, MedGen C4310756, MONDO:0014875, OMIM 617027.

Allele frequency attached by ClinVar (database versions not stated): gnomAD exomes below 0.00001; TOPMed 0.00001.
gnomAD v4.1: 3 of 1,604,718 alleles (0.00019%); highest among the groups gnomAD compares: South Asian, 0.0022%; no homozygotes.

Submission:

Labcorp Genetics (formerly Invitae), Labcorp
Classification: Uncertain significance for Idiopathic generalized epilepsy; Hyperaldosteronism, familial, type IV. Last evaluated: 2023-11-27. Review status: criteria provided, single submitter. Criteria: Invitae Variant Classification Sherloc (09022015). Collection method: clinical testing. Allele origin: germline.
Comment: This sequence change replaces asparagine, which is neutral and polar, with serine, which is neutral and polar, at codon 412 of the CACNA1H protein (p.Asn412Ser). This variant is not present in population databases (gnomAD no frequency). This variant has not been reported in the literature in individuals affected with CACNA1H-related conditions. ClinVar contains an entry for this variant (Variation ID: 1011167). Advanced modeling of protein sequence and biophysical properties (such as structural, functional, and spatial information, amino acid conservation, physicochemical variation, residue mobility, and thermodynamic stability) has been performed at Invitae for this missense variant, however the output from this modeling did not meet the statistical confidence thresholds required to predict the impact of this variant on CACNA1H protein function. In summary, the available evidence is currently insufficient to determine the role of this variant in disease. Therefore, it has been classified as a Variant of Uncertain Significance.

NM_021098.3(CACNA1H):c.1235A>G (p.Asn412Ser)

Gene: CACNA1H (calcium voltage-gated channel subunit alpha1 H; plus strand). Cytogenetic location: 16p13.3.
Variant type: single nucleotide variant.
Coding change: c.1235A>G on transcript NM_021098.3 (MANE Select); coding-DNA position 1235, A replaced by G.
Protein change: p.Asn412Ser; replaces asparagine 412 with serine.
Molecular consequence: missense variant.
Genome position (GRCh38, 1-based): chr16:1,201,685, A>G. VCF-style: chr16-1201685-A-G. GRCh37 (hg19) VCF-style: chr16-1251685-A-G.
Other names: c.1235A>G, p.Asn412Ser (NM_001005407.2); short protein forms N412S.
Identifiers: ClinVar variation 1011167 (VCV001011167.8), dbSNP rs779840429, ClinGen allele CA276650365.